The following is an entry in ClinVar:

NM_032578.4(MYPN):c.248del (p.Ile83fs)

Gene: MYPN (myopalladin; plus strand). Cytogenetic location: 10q21.3.
Variant type: Deletion.
Coding change: c.248del on transcript NM_032578.4 (MANE Select); coding-DNA position 248, one base deleted (T; older notation c.248delT).
Protein change: p.Ile83fs; shifts the reading frame from isoleucine 83.
Molecular consequence: frameshift variant. On other transcripts: 5 prime UTR variant (1), non-coding transcript variant (1).
Genome position (GRCh38, 1-based): chr10:68,121,686, T deleted. VCF-style (leftmost placement, unchanged base first): chr10-68121685-AT-A. GRCh37 (hg19) VCF-style: chr10-69881442-AT-A.
Other names: c.248del, p.Ile83fs (NM_001256267.2); c.-875del (NM_001256268.2); c.248delT (NM_032578.3); short protein forms I83fs.
Identifiers: ClinVar variation 31789 (VCV000031789.4), dbSNP rs71578989, ClinGen allele CA215285.

ClinVar aggregate classification (germline): Likely pathogenic. Review status: criteria provided, single submitter (1 of 4 stars). 2 submissions from 2 submitters: Likely pathogenic (1). 1 of the submissions does not count toward it. Last evaluated 2026-08-06.

Conditions:
MYPN-related myopathy (CMYO24). Also called: Nemaline myopathy 11, autosomal recessive. Identifiers: MedGen C4479186, MONDO:0015023, OMIM 617336.

Submissions (2):

OLLIN Analises Genomicas, OLLIN
Classification: Likely pathogenic for MYPN-related myopathy. Last evaluated: 2026-08-06. Review status: criteria provided, single submitter. Criteria: ACMG Guidelines 2015 PMID 25741868. Collection method: clinical testing. Allele origin: germline. Inheritance: Autosomal dominant inheritance.
Comment: This frameshift variant, located in exon 2 (of 20), is absent from gnomAD and has not been identified in the literature. However, it has been reported in ClinVar (accession VCV000031789.3). This variant causes a frameshift and introduces a premature stop codon, which is predicted to result in either a truncated protein or degradation of the mRNA via nonsense-mediated decay (NMD). According to the currently available evidence, this variant has been classified as likely pathogenic (PVS1, PM2_P).

Leiden Muscular Dystrophy (MYPN)
No classification provided. Last evaluated: 2012-04-27. Review status: no classification provided. Collection method: curation. Allele origin: germline. Not counted in ClinVar's aggregate classification.